The following is an entry in ClinVar:

ClinVar aggregate classification (germline): Likely benign (1 of 4 stars; one submission).

Allele frequency attached by ClinVar (database versions not stated): 1000 Genomes Project 0.00185; 1000 Genomes Project 30x 0.00187; gnomAD 0.00331; TOPMed 0.00355.
gnomAD v4.1: 384 of 111,526 alleles (0.34%); highest among the groups gnomAD compares: African/African-American, 1.2%; 1 homozygote.

Submission:

GeneDx
Classification: Likely benign. Last evaluated: 2018-06-14. Review status: criteria provided, single submitter. Criteria: GeneDx Variant Classification (06012015). Collection method: clinical testing. Allele origin: germline. Affected: yes.
Comment: This variant is considered likely benign or benign based on one or more of the following criteria: it is a conservative change, it occurs at a poorly conserved position in the protein, it is predicted to be benign by multiple in silico algorithms, and/or has population frequency not consistent with disease.

NM_001323289.2(CDKL5):c.2152+195G>A

Gene: CDKL5 (cyclin dependent kinase like 5; plus strand). Cytogenetic location: Xp22.13.
Variant type: single nucleotide variant.
Coding change: c.2152+195G>A on transcript NM_001323289.2 (MANE Select); 195 bases into the intron after coding-DNA position 2152, G replaced by A.
Molecular consequence: intron variant.
Genome position (GRCh38, 1-based): chrX:18,609,765, G>A. VCF-style: chrX-18609765-G-A. GRCh37 (hg19) VCF-style: chrX-18627885-G-A.
Other names: c.2152+195G>A (NM_003159.3, NM_001037343.2).
Identifiers: ClinVar variation 677683 (VCV000677683.1), dbSNP rs373744056, ClinGen allele CA326989060.